The following is an entry in ClinVar:

NM_001276345.2(TNNT2):c.727G>A (p.Ala243Thr)

Gene: TNNT2 (troponin T2, cardiac type; minus strand). Cytogenetic location: 1q32.1.
Variant type: single nucleotide variant.
Coding change: c.727G>A on transcript NM_001276345.2 (MANE Select); coding-DNA position 727, G replaced by A.
Protein change: p.Ala243Thr; replaces alanine 243 with threonine.
Molecular consequence: missense variant.
Genome position (GRCh38, 1-based): chr1:201,361,362, C>T on the plus strand (G>A on the coding strand, the complement: TNNT2 is on the minus strand). VCF-style: chr1-201361362-C-T. GRCh37 (hg19) VCF-style: chr1-201330490-C-T.
Other names: c.718G>A, p.Ala240Thr (NM_000364.4); c.697G>A, p.Ala233Thr (NM_001001430.3, NM_001276347.2); c.688G>A, p.Ala230Thr (NM_001001431.3); c.679G>A, p.Ala227Thr (NM_001001432.3); c.598G>A, p.Ala200Thr (NM_001276346.2); short protein forms A200T, A227T, A230T, A233T, A240T, A243T.
Identifiers: ClinVar variation 1332218 (VCV001332218.2), dbSNP rs1658594625, ClinGen allele CA344202818.

ClinVar aggregate classification (germline): Uncertain significance (1 of 4 stars; one submission).

Conditions:
Cardiomyopathy (CMYO). Also called: Cardiomyopathies. Identifiers: Orphanet 167848, MedGen C0878544, MONDO:0004994, HP:0001638. Inheritance: Various modes of inheritance.

Submission:

Color Diagnostics, LLC DBA Color Health
Classification: Uncertain significance for Cardiomyopathy. Last evaluated: 2021-07-27. Review status: criteria provided, single submitter. Criteria: ACMG Guidelines, 2015. Collection method: clinical testing. Allele origin: germline.
Comment: This missense variant replaces alanine with threonine at codon 233 of the TNNT2 protein. Computational prediction suggests that this variant may have deleterious impact on protein structure and function (internally defined REVEL score threshold >= 0.7, PMID: 27666373). To our knowledge, functional studies have not been reported for this variant. This variant has not been reported in individuals affected with cardiovascular disorders in the literature. This variant has not been identified in the general population by the Genome Aggregation Database (gnomAD). The available evidence is insufficient to determine the role of this variant in disease conclusively. Therefore, this variant is classified as a Variant of Uncertain Significance.